The following is an entry in ClinVar:

ClinVar aggregate classification (germline): Likely benign. Review status: criteria provided, single submitter (1 of 4 stars). 2 submissions from 2 submitters: Likely benign (1). 1 of the submissions does not count toward it. Last evaluated 2025-10-13.

Conditions:
RUSC2-related disorder. Also called: RUSC2-related condition.

Allele frequency attached by ClinVar (database versions not stated): gnomAD exomes 0.00001 and 0.00003; ExAC 0.00002; TOPMed 0.00002; gnomAD 0.00003.
gnomAD v4.1: 22 of 1,613,744 alleles (0.0014%); highest among the groups gnomAD compares: Middle Eastern, 0.016%; no homozygotes.

Submissions (2):

Labcorp Genetics (formerly Invitae), Labcorp
Classification: Likely benign. Last evaluated: 2025-10-13. Review status: criteria provided, single submitter. Criteria: Invitae Variant Classification Sherloc (09022015). Collection method: clinical testing. Allele origin: germline.

PreventionGenetics, part of Exact Sciences
Classification: Likely benign for RUSC2-related condition. Last evaluated: 2019-08-08. Review status: no assertion criteria provided. Collection method: clinical testing. Allele origin: germline. Not counted in ClinVar's aggregate classification.
Comment: This variant is classified as likely benign based on ACMG/AMP sequence variant interpretation guidelines (Richards et al. 2015 PMID: 25741868, with internal and published modifications).

NM_014806.5(RUSC2):c.3450C>T (p.Pro1150=)

Gene: RUSC2 (RUN and SH3 domain containing 2; plus strand). Cytogenetic location: 9p13.3.
Variant type: single nucleotide variant.
Coding change: c.3450C>T on transcript NM_014806.5 (MANE Select); coding-DNA position 3450, C replaced by T.
Protein change: p.Pro1150=; no amino-acid change (proline 1150 retained).
Molecular consequence: synonymous variant. On other transcripts: non-coding transcript variant (1).
Genome position (GRCh38, 1-based): chr9:35,560,090, C>T. VCF-style: chr9-35560090-C-T. GRCh37 (hg19) VCF-style: chr9-35560087-C-T.
Other names: c.3450C>T, p.Pro1150= (NM_001135999.2); c.816C>T, p.Pro272= (NM_001330740.2); c.3450C>T (NM_001135999.1).
Identifiers: ClinVar variation 1531412 (VCV001531412.10), dbSNP rs770017426, ClinGen allele CA5044165.